The following is an entry in ClinVar:

NM_000138.5(FBN1):c.2503G>C (p.Glu835Gln)

Gene: FBN1 (fibrillin 1; minus strand). Cytogenetic location: 15q21.1.
Variant type: single nucleotide variant.
Coding change: c.2503G>C on transcript NM_000138.5 (MANE Select); coding-DNA position 2503, G replaced by C.
Protein change: p.Glu835Gln; replaces glutamic acid 835 with glutamine.
Molecular consequence: missense variant.
Genome position (GRCh38, 1-based): chr15:48,495,505, C>G on the plus strand (G>C on the coding strand, the complement: FBN1 is on the minus strand). VCF-style: chr15-48495505-C-G. GRCh37 (hg19) VCF-style: chr15-48787702-C-G.
Other names: c.2503G>C, p.Glu835Gln (NM_001406716.1); short protein forms E835Q.
Identifiers: ClinVar variation 2499897 (VCV002499897.1), dbSNP rs2505571861, ClinGen allele CA392334380.

ClinVar aggregate classification (germline): Uncertain significance (1 of 4 stars; one submission).

Submission:

GeneDx
Classification: Uncertain significance. Last evaluated: 2022-10-18. Review status: criteria provided, single submitter. Criteria: GeneDx Variant Classification Process June 2021. Collection method: clinical testing. Allele origin: germline. Affected: yes.
Comment: Has not been previously published as pathogenic or benign to our knowledge; Not observed at significant frequency in large population cohorts (gnomAD); Although located in a calcium-binding EGF-like domain of the FBN1 gene, it does not affect a cysteine residue within this domain; cysteine substitutions in the calcium-binding EGF-like domains represent the majority of pathogenic missense changes associated with FBN1-related disorders (Collod-Beroud et al., 2003); In silico analysis supports that this missense variant does not alter protein structure/function